The following is an entry in ClinVar:

ClinVar aggregate classification (germline): Conflicting classifications of pathogenicity. Review status: criteria provided, conflicting classifications (1 of 4 stars). 3 submissions from 3 submitters: Uncertain significance (2); Likely benign (1). Last evaluated 2025-07-01.

Conditions:
EFEMP1-related disorder. Also called: EFEMP1-related condition.

Allele frequency attached by ClinVar (database versions not stated): ExAC 0.00002; gnomAD exomes 0.00004 and 0.00010; gnomAD 0.00005 and 0.00006; TOPMed 0.00006; ESP Exome Variant Server 0.00023.
gnomAD v4.1: 151 of 1,613,590 alleles (0.0094%); highest among the groups gnomAD compares: Non-Finnish European, 0.012%; no homozygotes.

Submissions (3):

Labcorp Genetics (formerly Invitae), Labcorp
Classification: Uncertain significance. Last evaluated: 2025-07-01. Review status: criteria provided, single submitter. Criteria: Invitae Variant Classification Sherloc (09022015). Collection method: clinical testing. Allele origin: germline.
Comment: This sequence change replaces threonine, which is neutral and polar, with proline, which is neutral and non-polar, at codon 478 of the EFEMP1 protein (p.Thr478Pro). This variant is present in population databases (rs150488038, gnomAD 0.01%). This variant has not been reported in the literature in individuals affected with EFEMP1-related conditions. ClinVar contains an entry for this variant (Variation ID: 1051152). Invitae Evidence Modeling of protein sequence and biophysical properties (such as structural, functional, and spatial information, amino acid conservation, physicochemical variation, residue mobility, and thermodynamic stability) indicates that this missense variant is not expected to disrupt EFEMP1 protein function with a negative predictive value of 80%. In summary, the available evidence is currently insufficient to determine the role of this variant in disease. Therefore, it has been classified as a Variant of Uncertain Significance.

PreventionGenetics, part of Exact Sciences
Classification: Uncertain significance for EFEMP1-related condition. Last evaluated: 2025-01-17. Review status: criteria provided, single submitter. Criteria: ACMG Guidelines, 2015. Collection method: clinical testing. Allele origin: germline.
Comment: The EFEMP1 c.1432A>C variant is predicted to result in the amino acid substitution p.Thr478Pro. To our knowledge, this variant has not been reported in the literature. This variant is present in 0.012% of alleles in individuals of African descent in gnomAD. At this time, the clinical significance of this variant is uncertain due to the absence of conclusive functional and genetic evidence.

Blueprint Genetics
Classification: Likely benign. Last evaluated: 2022-08-11. Review status: criteria provided, single submitter. Criteria: ACMG Guidelines, 2015. Collection method: clinical testing. Allele origin: germline.

NM_001039348.3(EFEMP1):c.1432A>C (p.Thr478Pro)

Gene: EFEMP1 (EGF-like fibulin extracellular matrix protein 1; minus strand). Cytogenetic location: 2p16.1.
Variant type: single nucleotide variant.
Coding change: c.1432A>C on transcript NM_001039348.3 (MANE Select); coding-DNA position 1432, A replaced by C.
Protein change: p.Thr478Pro; replaces threonine 478 with proline.
Molecular consequence: missense variant.
Genome position (GRCh38, 1-based): chr2:55,867,123, T>G on the plus strand (A>C on the coding strand, the complement: EFEMP1 is on the minus strand). VCF-style: chr2-55867123-T-G. GRCh37 (hg19) VCF-style: chr2-56094258-T-G.
Other names: c.1432A>C, p.Thr478Pro (NM_001039349.3); c.1432A>C (NM_001039348.2); short protein forms T478P.
Identifiers: ClinVar variation 1051152 (VCV001051152.10), dbSNP rs150488038, ClinGen allele CA1668681.